The following is an entry in ClinVar:

ClinVar aggregate classification (germline): Likely benign. Review status: criteria provided, single submitter (1 of 4 stars). 2 submissions from 2 submitters: Likely benign (1). 1 of the submissions does not count toward it. Last evaluated 2022-03-15.

Conditions:
POLG-related disorder. Also called: POLG-related condition; POLG-Related Disorders; POLG-Related Spectrum Disorders. Identifiers: MedGen C4763519.
Progressive sclerosing poliodystrophy (MTDPS4A). Also called: NEURONAL DEGENERATION OF CHILDHOOD WITH LIVER DISEASE, PROGRESSIVE; Mitochondrial DNA depletion syndrome 4A (Alpers type); Alpers-Huttenlocher Syndrome (AHS); ALPERS PROGRESSIVE INFANTILE POLIODYSTROPHY; Alpers Syndrome; ALPERS DIFFUSE DEGENERATION OF CEREBRAL GRAY MATTER WITH HEPATIC CIRRHOSIS. Identifiers: Orphanet 726, MedGen C0205710, MONDO:0008758, OMIM 203700.

Allele frequency attached by ClinVar (database versions not stated): ESP Exome Variant Server 0.00008; gnomAD exomes below 0.00001; TOPMed below 0.00001; ExAC 0.00001; gnomAD 0.00001.
gnomAD v4.1: 1 of 1,614,024 alleles (0.000062%); highest among the groups gnomAD compares: Admixed American, 0.0017%; no homozygotes.

Submissions (2):

Labcorp Genetics (formerly Invitae), Labcorp
Classification: Likely benign for Progressive sclerosing poliodystrophy. Last evaluated: 2022-03-15. Review status: criteria provided, single submitter. Criteria: Invitae Variant Classification Sherloc (09022015). Collection method: clinical testing. Allele origin: germline.

PreventionGenetics, part of Exact Sciences
Classification: Likely benign for POLG-related condition. Last evaluated: 2024-01-08. Review status: no assertion criteria provided. Collection method: clinical testing. Allele origin: germline. Not counted in ClinVar's aggregate classification.
Comment: This variant is classified as likely benign based on ACMG/AMP sequence variant interpretation guidelines (Richards et al. 2015 PMID: 25741868, with internal and published modifications).

NM_002693.3(POLG):c.3576A>G (p.Glu1192=)

Gene: POLG (DNA polymerase gamma, catalytic subunit; minus strand). Cytogenetic location: 15q26.1.
Variant type: single nucleotide variant.
Coding change: c.3576A>G on transcript NM_002693.3 (MANE Select); coding-DNA position 3576, A replaced by G.
Protein change: p.Glu1192=; no amino-acid change (glutamic acid 1192 retained).
Molecular consequence: synonymous variant.
Genome position (GRCh38, 1-based): chr15:89,317,443, T>C on the plus strand (A>G on the coding strand, the complement: POLG is on the minus strand). VCF-style: chr15-89317443-T-C. GRCh37 (hg19) VCF-style: chr15-89860674-T-C.
Other names: c.3576A>G, p.Glu1192= (NM_001126131.2); c.3576A>G (NM_002693.2).
Identifiers: ClinVar variation 1081772 (VCV001081772.11), dbSNP rs369438927, ClinGen allele CA7724093.
Genomic context (GRCh38, chr15:89,317,443, plus strand): 5'-AATCCCGTATCTCCTTTCCATCCCAGTTGGGTTGGAAGGGGTTTTACAATCCATGGTCAC[T>C]TCCTTCCTGAGGCACCGGTCAATATCGACTGCACTGAAAAAGGCGACTGACTGGGGCAAG-3'
Protein context (NP_002684.1, residues 1182-1202): AVDIDRCLRK[Glu1192=]VTMDCKTPSN